The following is an entry in ClinVar:

NM_002734.5(PRKAR1A):c.883A>G (p.Ile295Val)

Gene: PRKAR1A (protein kinase cAMP-dependent type I regulatory subunit alpha; plus strand). Cytogenetic location: 17q24.2.
Variant type: single nucleotide variant.
Coding change: c.883A>G on transcript NM_002734.5 (MANE Select); coding-DNA position 883, A replaced by G.
Protein change: p.Ile295Val; replaces isoleucine 295 with valine.
Molecular consequence: missense variant.
Genome position (GRCh38, 1-based): chr17:68,528,983, A>G. VCF-style: chr17-68528983-A-G. GRCh37 (hg19) VCF-style: chr17-66525124-A-G.
Other names: c.883A>G, p.Ile295Val (NM_001276289.2, NM_001276290.1, NM_001278433.2 and 4 more transcripts); short protein forms I295V.
Identifiers: ClinVar variation 3222778 (VCV003222778.1), dbSNP rs2509438166, ClinGen allele CA400754042.
Genomic context (GRCh38, chr17:68,528,983, plus strand): 5'-CAGTTTGAAGATGGGCAGAAGATTGTGGTGCAGGGAGAACCAGGGGATGAGTTCTTCATT[A>G]TTTTAGAGGTAAAGAACTCAGAATTTAATACTTGAATTTTAGAGGTAAAGAACTCAGAAT-3'
Protein context (NP_002725.1, residues 285-305): QGEPGDEFFI[Ile295Val]LEGSAAVLQR

ClinVar aggregate classification (germline): Uncertain significance (1 of 4 stars; one submission).

Conditions:
Hereditary cancer-predisposing syndrome. Also called: Tumor predisposition; Hereditary neoplastic syndrome; Hereditary Cancer Syndrome; Neoplastic Syndromes, Hereditary. Identifiers: Orphanet 140162, MedGen C0027672, MeSH D009386, MONDO:0015356.

Submission:

Ambry Genetics
Classification: Uncertain significance for Hereditary cancer-predisposing syndrome. Last evaluated: 2023-10-15. Review status: criteria provided, single submitter. Criteria: Ambry Variant Classification Scheme 2023. Collection method: clinical testing. Allele origin: germline.
Comment: The p.I295V variant (also known as c.883A>G), located in coding exon 8 of the PRKAR1A gene, results from an A to G substitution at nucleotide position 883. The isoleucine at codon 295 is replaced by valine, an amino acid with highly similar properties. This amino acid position is conserved. In addition, the in silico prediction for this alteration is inconclusive. Since supporting evidence is limited at this time, the clinical significance of this alteration remains unclear.